The following is an entry in ClinVar:

ClinVar aggregate classification (germline): Conflicting classifications of pathogenicity. Review status: criteria provided, conflicting classifications (1 of 4 stars). 3 submissions from 3 submitters: Uncertain significance (1); Likely benign (1). 1 of the submissions does not count toward it. Last evaluated 2018-04-23.

Conditions:
Nemaline myopathy 2 (NEM2). Also called: Nemaline myopathy 2, autosomal recessive. Identifiers: MedGen C1850569, MONDO:0009725, OMIM 256030.

Submissions (3):

GeneDx
Classification: Likely benign. Last evaluated: 2018-04-23. Review status: criteria provided, single submitter. Criteria: GeneDx Variant Classification (06012015). Collection method: clinical testing. Allele origin: germline. Affected: yes.
Comment: This variant is considered likely benign or benign based on one or more of the following criteria: it is a conservative change, it occurs at a poorly conserved position in the protein, it is predicted to be benign by multiple in silico algorithms, and/or has population frequency not consistent with disease.

Labcorp Genetics (formerly Invitae), Labcorp
Classification: Uncertain significance for Nemaline myopathy 2. Last evaluated: 2018-01-03. Review status: criteria provided, single submitter. Criteria: Invitae Variant Classification Sherloc (09022015). Collection method: clinical testing. Allele origin: germline.

Natera, Inc.
Classification: Uncertain significance for Nemaline myopathy type 2. Last evaluated: 2019-11-11. Review status: no assertion criteria provided. Collection method: clinical testing. Allele origin: germline. Not counted in ClinVar's aggregate classification.

NM_001164508.2(NEB):c.12529A>T (p.Ser4177Cys)

Gene: NEB (nebulin; minus strand). Cytogenetic location: 2q23.3.
Variant type: single nucleotide variant.
Coding change: c.12529A>T on transcript NM_001164508.2 (MANE Select); coding-DNA position 12529, A replaced by T.
Protein change: p.Ser4177Cys; replaces serine 4177 with cysteine.
Molecular consequence: missense variant. On other transcripts: intron variant (1).
Genome position (GRCh38, 1-based): chr2:151,608,478, T>A on the plus strand (A>T on the coding strand, the complement: NEB is on the minus strand). VCF-style: chr2-151608478-T-A. GRCh37 (hg19) VCF-style: chr2-152464992-T-A.
Other names: c.12529A>T, p.Ser4177Cys (NM_001164507.2, NM_001271208.2); c.11601+1331A>T (NM_004543.5); short protein forms S4177C.
Identifiers: ClinVar variation 465456 (VCV000465456.6), dbSNP rs1553877493, ClinGen allele CA348775416.